The following is an entry in ClinVar:

ClinVar aggregate classification (germline): Uncertain significance. Review status: criteria provided, multiple submitters, no conflicts (2 of 4 stars). 3 submissions from 3 submitters: Uncertain significance (3). Last evaluated 2025-12-28.

Conditions:
Bardet-Biedl syndrome (BBS). Identifiers: Orphanet 110, MedGen C0752166, MONDO:0015229.
BBS4-related disorder. Also called: BBS4-related condition.

Allele frequency attached by ClinVar (database versions not stated): TOPMed 0.00002; gnomAD exomes 0.00003; gnomAD 0.00005; ExAC 0.00007.
gnomAD v4.1: 57 of 1,613,968 alleles (0.0035%); highest among the groups gnomAD compares: East Asian, 0.022%; 1 homozygote.

Submissions (3):

PreventionGenetics, part of Exact Sciences
Classification: Uncertain significance for BBS4-related condition. Last evaluated: 2025-12-28. Review status: criteria provided, single submitter. Criteria: ACMG Guidelines, 2015. Collection method: clinical testing. Allele origin: germline.
Comment: The BBS4 c.1159G>A variant is predicted to result in the amino acid substitution p.Glu387Lys. To our knowledge, this variant has not been reported in the literature. This variant is reported in 0.0098% of alleles in individuals of South Asian descent in gnomAD. At this time, the clinical significance of this variant is uncertain due to the absence of conclusive functional and genetic evidence.

Blueprint Genetics
Classification: Uncertain significance. Last evaluated: 2023-07-28. Review status: criteria provided, single submitter. Criteria: ACMG Guidelines, 2015. Collection method: clinical testing. Allele origin: germline.

Labcorp Genetics (formerly Invitae), Labcorp
Classification: Uncertain significance for Bardet-Biedl syndrome. Last evaluated: 2022-04-24. Review status: criteria provided, single submitter. Criteria: Invitae Variant Classification Sherloc (09022015). Collection method: clinical testing. Allele origin: germline.
Comment: This sequence change replaces glutamic acid, which is acidic and polar, with lysine, which is basic and polar, at codon 387 of the BBS4 protein (p.Glu387Lys). This variant is present in population databases (rs778082012, gnomAD 0.01%). This variant has not been reported in the literature in individuals affected with BBS4-related conditions. Algorithms developed to predict the effect of missense changes on protein structure and function (SIFT, PolyPhen-2, Align-GVGD) all suggest that this variant is likely to be tolerated. In summary, the available evidence is currently insufficient to determine the role of this variant in disease. Therefore, it has been classified as a Variant of Uncertain Significance.

NM_033028.5(BBS4):c.1159G>A (p.Glu387Lys)

Gene: BBS4 (Bardet-Biedl syndrome 4; plus strand). Cytogenetic location: 15q24.1.
Variant type: single nucleotide variant.
Coding change: c.1159G>A on transcript NM_033028.5 (MANE Select); coding-DNA position 1159, G replaced by A.
Protein change: p.Glu387Lys; replaces glutamic acid 387 with lysine.
Molecular consequence: missense variant. On other transcripts: non-coding transcript variant (2).
Genome position (GRCh38, 1-based): chr15:72,735,877, G>A. VCF-style: chr15-72735877-G-A. GRCh37 (hg19) VCF-style: chr15-73028218-G-A.
Other names: c.1159G>A (NM_033028.4); c.643G>A, p.Glu215Lys (NM_001252678.2); c.1090G>A, p.Glu364Lys (NM_001320665.2); short protein forms E364K, E387K, E215K.
Identifiers: ClinVar variation 2076312 (VCV002076312.3), dbSNP rs778082012, ClinGen allele CA7646931.